The following is an entry in ClinVar:

NM_014444.5(TUBGCP4):c.94C>T (p.Pro32Ser)

Gene: TUBGCP4 (tubulin gamma complex component 4; plus strand). Cytogenetic location: 15q15.3.
Variant type: single nucleotide variant.
Coding change: c.94C>T on transcript NM_014444.5 (MANE Select); coding-DNA position 94, C replaced by T.
Protein change: p.Pro32Ser; replaces proline 32 with serine.
Molecular consequence: missense variant.
Genome position (GRCh38, 1-based): chr15:43,376,113, C>T. VCF-style: chr15-43376113-C-T. GRCh37 (hg19) VCF-style: chr15-43668311-C-T.
Other names: c.94C>T, p.Pro32Ser (NM_001286414.3); short protein forms P32S.
Identifiers: ClinVar variation 1487907 (VCV001487907.6), dbSNP rs778514860, ClinGen allele CA7523656.
Genomic context (GRCh38, chr15:43,376,113, plus strand): 5'-GGGCAGCGACTGGCGGTGTTTTCGGCAGTGTTCCTCTTCCTGCAGGTATCGCAGGACTTC[C>T]CTTTCCTCCACCCCAGTGAGACCAGTGTCCTGAATCGACTCTGCCGGCTCGGCACAGACT-3'
Protein context (NP_055259.2, residues 22-42): RSGLQVSQDF[Pro32Ser]FLHPSETSVL

ClinVar aggregate classification (germline): Uncertain significance (1 of 4 stars; one submission).

Allele frequency attached by ClinVar (database versions not stated): gnomAD exomes below 0.00001 and 0.00001; ExAC 0.00002.
gnomAD v4.1: 6 of 1,614,102 alleles (0.00037%); highest among the groups gnomAD compares: Non-Finnish European, 0.00042%; no homozygotes.

Submission:

Labcorp Genetics (formerly Invitae), Labcorp
Classification: Uncertain significance. Last evaluated: 2022-10-13. Review status: criteria provided, single submitter. Criteria: Invitae Variant Classification Sherloc (09022015). Collection method: clinical testing. Allele origin: germline.
Comment: ClinVar contains an entry for this variant (Variation ID: 1487907). This variant has not been reported in the literature in individuals affected with TUBGCP4-related conditions. This variant is present in population databases (rs778514860, gnomAD 0.003%). This sequence change replaces proline, which is neutral and non-polar, with serine, which is neutral and polar, at codon 32 of the TUBGCP4 protein (p.Pro32Ser). In summary, the available evidence is currently insufficient to determine the role of this variant in disease. Therefore, it has been classified as a Variant of Uncertain Significance. Algorithms developed to predict the effect of sequence changes on RNA splicing suggest that this variant may create or strengthen a splice site. Advanced modeling of protein sequence and biophysical properties (such as structural, functional, and spatial information, amino acid conservation, physicochemical variation, residue mobility, and thermodynamic stability) performed at Invitae indicates that this missense variant is not expected to disrupt TUBGCP4 protein function.